The following is an entry in ClinVar:

ClinVar aggregate classification (germline): Conflicting classifications of pathogenicity. Review status: criteria provided, conflicting classifications (1 of 4 stars). 2 submissions from 2 submitters: Uncertain significance (1); Likely benign (1). Last evaluated 2022-11-01.

Conditions:
Inborn genetic diseases. Identifiers: MedGen C0950123, MeSH D030342.

Allele frequency attached by ClinVar (database versions not stated): gnomAD exomes 0.00001; TOPMed 0.00004; gnomAD 0.00007 and 0.00009.

Submissions (2):

Labcorp Genetics (formerly Invitae), Labcorp
Classification: Likely benign. Last evaluated: 2022-11-01. Review status: criteria provided, single submitter. Criteria: Invitae Variant Classification Sherloc (09022015). Collection method: clinical testing. Allele origin: germline.

Ambry Genetics
Classification: Uncertain significance for Inborn genetic diseases. Last evaluated: 2020-03-19. Review status: criteria provided, single submitter. Criteria: Ambry Variant Classification Scheme 2023. Collection method: clinical testing. Allele origin: germline.
Comment: The p.A144T variant (also known as c.430G>A), located in coding exon 3 of the GRIA3 gene, results from a G to A substitution at nucleotide position 430. The alanine at codon 144 is replaced by threonine, an amino acid with similar properties. This amino acid position is highly conserved through mammals but not in all available vertebrate species. In addition, this alteration is predicted to be tolerated by in silico analysis. Since supporting evidence is limited at this time, the clinical significance of this alteration remains unclear.

NM_007325.5(GRIA3):c.430G>A (p.Ala144Thr)

Gene: GRIA3 (glutamate ionotropic receptor AMPA type subunit 3; plus strand). Cytogenetic location: Xq25.
Variant type: single nucleotide variant.
Coding change: c.430G>A on transcript NM_007325.5 (MANE Select); coding-DNA position 430, G replaced by A.
Protein change: p.Ala144Thr; replaces alanine 144 with threonine.
Molecular consequence: missense variant.
Genome position (GRCh38, 1-based): chrX:123,253,464, G>A. VCF-style: chrX-123253464-G-A. GRCh37 (hg19) VCF-style: chrX-122387315-G-A.
Other names: c.430G>A, p.Ala144Thr (NM_000828.5); short protein forms A144T.
Identifiers: ClinVar variation 1525892 (VCV001525892.10), dbSNP rs1267207491, ClinGen allele CA414260641.